The following is an entry in ClinVar:

NM_001451.3(FOXF1):c.755G>A (p.Gly252Asp)

Gene: FOXF1 (forkhead box F1; plus strand). Cytogenetic location: 16q24.1.
Variant type: single nucleotide variant.
Coding change: c.755G>A on transcript NM_001451.3 (MANE Select); coding-DNA position 755, G replaced by A.
Protein change: p.Gly252Asp; replaces glycine 252 with aspartic acid.
Molecular consequence: missense variant.
Genome position (GRCh38, 1-based): chr16:86,511,324, G>A. VCF-style: chr16-86511324-G-A. GRCh37 (hg19) VCF-style: chr16-86544930-G-A.
Other names: short protein forms G252D.
Identifiers: ClinVar variation 3731104 (VCV003731104.1).
Genomic context (GRCh38, chr16:86,511,324, plus strand): 5'-CGGCCGGCGAGTACCCGCACCACGACAGCTCGGTGCCCGCCTCCCCGCTGCTGCCCACCG[G>A]CGCCGGTGGGGTCATGGAGCCGCACGCCGTCTACTCGGGCTCGGCGGCGGCCTGGCCGCC-3'
Protein context (NP_001442.2, residues 242-262): SVPASPLLPT[Gly252Asp]AGGVMEPHAV

ClinVar aggregate classification (germline): Uncertain significance (1 of 4 stars; one submission).

gnomAD v4.1: 1 of 1,522,826 alleles (0.000066%); highest among the groups gnomAD compares: Non-Finnish European, 0.000087%; no homozygotes.

Submission:

GeneDx
Classification: Uncertain significance. Last evaluated: 2024-08-12. Review status: criteria provided, single submitter. Criteria: GeneDx Variant Classification Process June 2021. Collection method: clinical testing. Allele origin: germline. Affected: yes.
Comment: Not observed at significant frequency in large population cohorts (gnomAD); In silico analysis indicates that this missense variant does not alter protein structure/function; Has not been previously published as pathogenic or benign to our knowledge